The following is an entry in ClinVar:

NM_000548.5(TSC2):c.4876C>G (p.Pro1626Ala)

Gene: TSC2 (TSC complex subunit 2; plus strand). Cytogenetic location: 16p13.3.
Variant type: single nucleotide variant.
Coding change: c.4876C>G on transcript NM_000548.5 (MANE Select); coding-DNA position 4876, C replaced by G.
Protein change: p.Pro1626Ala; replaces proline 1626 with alanine.
Molecular consequence: missense variant. On other transcripts: non-coding transcript variant (4).
Genome position (GRCh38, 1-based): chr16:2,086,758, C>G. VCF-style: chr16-2086758-C-G. GRCh37 (hg19) VCF-style: chr16-2136759-C-G.
Other names: c.4567C>G, p.Pro1523Ala (NM_001318827.2); c.4531C>G, p.Pro1511Ala (NM_001318829.2); c.4747C>G, p.Pro1583Ala (NM_001370405.1, NM_021055.3); c.4675C>G, p.Pro1559Ala (NM_001077183.3); c.4807C>G, p.Pro1603Ala (NM_001114382.3); c.4144C>G, p.Pro1382Ala (NM_001318831.2); c.4708C>G, p.Pro1570Ala (NM_001318832.2); c.4678C>G, p.Pro1560Ala (NM_001363528.2); and 26 more; short protein forms P1025A, P1111A, P1403A, P1426A, P1540A, P1555A, P1600A, P1603A.
Identifiers: ClinVar variation 3637254 (VCV003637254.2).

ClinVar aggregate classification (germline): Uncertain significance (1 of 4 stars; one submission).

Conditions:
Tuberous sclerosis 2 (TSC2). Identifiers: Orphanet 805, MedGen C1860707, MONDO:0013199, OMIM 613254.

Submission:

Labcorp Genetics (formerly Invitae), Labcorp
Classification: Uncertain significance for Tuberous sclerosis 2. Last evaluated: 2024-12-02. Review status: criteria provided, single submitter. Criteria: Invitae Variant Classification Sherloc (09022015). Collection method: clinical testing. Allele origin: germline.
Comment: This sequence change replaces proline, which is neutral and non-polar, with alanine, which is neutral and non-polar, at codon 1626 of the TSC2 protein (p.Pro1626Ala). This variant is not present in population databases (gnomAD no frequency). This variant has not been reported in the literature in individuals affected with TSC2-related conditions. Invitae Evidence Modeling of protein sequence and biophysical properties (such as structural, functional, and spatial information, amino acid conservation, physicochemical variation, residue mobility, and thermodynamic stability) indicates that this missense variant is expected to disrupt TSC2 protein function with a positive predictive value of 95%. In summary, the available evidence is currently insufficient to determine the role of this variant in disease. Therefore, it has been classified as a Variant of Uncertain Significance.